The following is an entry in ClinVar:

ClinVar aggregate classification (germline): Uncertain significance. Review status: criteria provided, multiple submitters, no conflicts (2 of 4 stars). 3 submissions from 3 submitters: Uncertain significance (3). Last evaluated 2025-03-03.

Conditions:
Maple syrup urine disease (MSUD). Identifiers: Orphanet 511, MedGen C0024776, MeSH D008375, MONDO:0009563. Disease mechanism: loss of function.
Inborn genetic diseases. Identifiers: MedGen C0950123, MeSH D030342.
Maple syrup urine disease type 1A (MSUD1A). Also called: MSUD type 1A. Identifiers: MedGen C1855369, MONDO:0023691, OMIM 248600.

Allele frequency attached by ClinVar (database versions not stated): ExAC 0.00001; gnomAD 0.00005; TOPMed 0.00006; gnomAD exomes 0.00008.

Submissions (3):

Ambry Genetics
Classification: Uncertain significance for Inborn genetic diseases. Last evaluated: 2025-03-03. Review status: criteria provided, single submitter. Criteria: Ambry Variant Classification Scheme 2023. Collection method: clinical testing. Allele origin: germline.
Comment: The p.T133A variant (also known as c.397A>G), located in coding exon 4 of the BCKDHA gene, results from an A to G substitution at nucleotide position 397. The threonine at codon 133 is replaced by alanine, an amino acid with similar properties. This amino acid position is conserved. In addition, this alteration is predicted to be deleterious by in silico analysis. Based on the available evidence, the clinical significance of this variant remains unclear.

Labcorp Genetics (formerly Invitae), Labcorp
Classification: Uncertain significance for Maple syrup urine disease. Last evaluated: 2022-08-19. Review status: criteria provided, single submitter. Criteria: Invitae Variant Classification Sherloc (09022015). Collection method: clinical testing. Allele origin: germline.
Comment: This sequence change replaces threonine, which is neutral and polar, with alanine, which is neutral and non-polar, at codon 133 of the BCKDHA protein (p.Thr133Ala). This variant is present in population databases (rs771686663, gnomAD 0.004%). This variant has not been reported in the literature in individuals affected with BCKDHA-related conditions. Advanced modeling of protein sequence and biophysical properties (such as structural, functional, and spatial information, amino acid conservation, physicochemical variation, residue mobility, and thermodynamic stability) performed at Invitae indicates that this missense variant is expected to disrupt BCKDHA protein function. In summary, the available evidence is currently insufficient to determine the role of this variant in disease. Therefore, it has been classified as a Variant of Uncertain Significance.

Revvity Omics, Revvity
Classification: Uncertain significance for Maple syrup urine disease type 1A. Last evaluated: 2021-02-05. Review status: criteria provided, single submitter. Criteria: ACMG Guidelines, 2015. Collection method: clinical testing. Allele origin: germline.

NM_000709.4(BCKDHA):c.397A>G (p.Thr133Ala)

Gene: BCKDHA (branched chain keto acid dehydrogenase E1 subunit alpha; plus strand). Cytogenetic location: 19q13.2.
Variant type: single nucleotide variant.
Coding change: c.397A>G on transcript NM_000709.4 (MANE Select); coding-DNA position 397, A replaced by G.
Protein change: p.Thr133Ala; replaces threonine 133 with alanine.
Molecular consequence: missense variant.
Genome position (GRCh38, 1-based): chr19:41,414,070, A>G. VCF-style: chr19-41414070-A-G. GRCh37 (hg19) VCF-style: chr19-41919975-A-G.
Other names: c.397A>G (NM_000709.3); c.397A>G, p.Thr133Ala (NM_001164783.2); short protein forms T133A.
Identifiers: ClinVar variation 1930726 (VCV001930726.8), dbSNP rs771686663, ClinGen allele CA9461129.
Genomic context (GRCh38, chr19:41,414,070, plus strand): 5'-TAACCAATTGTGGGACCCCGGTCCCCTCTACACCCCCAGGGCCGGATCTCCTTCTACATG[A>G]CCAACTATGGTGAGGAGGGCACGCACGTGGGGAGTGCCGCCGCCCTGGACAACACGGACC-3'
Protein context (NP_000700.1, residues 123-143): QRQGRISFYM[Thr133Ala]NYGEEGTHVG